The following is an entry in ClinVar:

ClinVar aggregate classification (germline): Uncertain significance (1 of 4 stars; one submission).

Allele frequency attached by ClinVar (database versions not stated): gnomAD exomes 0.00001; TOPMed 0.00009; gnomAD 0.00011.
gnomAD v4.1: 25 of 1,533,796 alleles (0.0016%); highest among the groups gnomAD compares: African/African-American, 0.034%; no homozygotes.

Submission:

Labcorp Genetics (formerly Invitae), Labcorp
Classification: Uncertain significance. Last evaluated: 2022-07-26. Review status: criteria provided, single submitter. Criteria: Invitae Variant Classification Sherloc (09022015). Collection method: clinical testing. Allele origin: germline.
Comment: This sequence change falls in intron 6 of the FAM20C gene. It does not directly change the encoded amino acid sequence of the FAM20C protein. This variant is present in population databases (no rsID available, gnomAD 0.03%). This variant has not been reported in the literature in individuals affected with FAM20C-related conditions. ClinVar contains an entry for this variant (Variation ID: 1373490). Algorithms developed to predict the effect of sequence changes on RNA splicing suggest that this variant may create or strengthen a splice site. In summary, the available evidence is currently insufficient to determine the role of this variant in disease. Therefore, it has been classified as a Variant of Uncertain Significance.

NM_020223.4(FAM20C):c.1254-12G>A

Gene: FAM20C (FAM20C golgi associated secretory pathway kinase; plus strand). Cytogenetic location: 7p22.3.
Variant type: single nucleotide variant.
Coding change: c.1254-12G>A on transcript NM_020223.4 (MANE Select); 12 bases into the intron before coding-DNA position 1254, G replaced by A.
Molecular consequence: intron variant.
Genome position (GRCh38, 1-based): chr7:256,642, G>A. VCF-style: chr7-256642-G-A. GRCh37 (hg19) VCF-style: chr7-296608-G-A.
Identifiers: ClinVar variation 1373490 (VCV001373490.3), dbSNP rs959919676, ClinGen allele CA152283412.